The following is an entry in ClinVar:

ClinVar aggregate classification (germline): Uncertain significance (1 of 4 stars; one submission).

Conditions:
Cardiomyopathy (CMYO). Also called: Cardiomyopathies. Identifiers: Orphanet 167848, MedGen C0878544, MONDO:0004994, HP:0001638. Inheritance: Various modes of inheritance.

Submission:

Color Diagnostics, LLC DBA Color Health
Classification: Uncertain significance for Cardiomyopathy. Last evaluated: 2023-12-05. Review status: criteria provided, single submitter. Criteria: ACMG Guidelines, 2015. Collection method: clinical testing. Allele origin: germline.
Comment: This missense variant replaces alanine with serine at codon 2446 of the RYR2 protein. Computational prediction tools and conservation analyses are inconclusive regarding the impact of this variant on the protein function. Computational splicing tools suggest that this variant may not impact RNA splicing. To our knowledge, functional assays have not been performed for this variant nor has this variant been reported in individuals affected with cardiovascular disorders in the literature. This variant has not been identified in the general population by the Genome Aggregation Database (gnomAD). Available evidence is insufficient to determine the role of this variant in disease conclusively. Therefore, this variant is classified as a Variant of Uncertain Significance.

NM_001035.3(RYR2):c.7336_7337delinsAG (p.Ala2446Ser)

Gene: RYR2 (ryanodine receptor 2; plus strand). Cytogenetic location: 1q43.
Variant type: Indel.
Coding change: c.7336_7337delinsAG on transcript NM_001035.3 (MANE Select); coding-DNA positions 7336 to 7337, GC replaced by AG.
Protein change: p.Ala2446Ser; replaces alanine 2446 with serine.
Molecular consequence: missense variant.
Genome position (GRCh38, 1-based): chr1:237,643,441-237,643,442, GC replaced by AG. VCF-style: chr1-237643441-GC-AG. GRCh37 (hg19) VCF-style: chr1-237806741-GC-AG.
Other names: short protein forms A2446S.
Identifiers: ClinVar variation 919197 (VCV000919197.5), dbSNP rs1681784524, ClinGen allele CA913187712.